The following is an entry in ClinVar:

ClinVar aggregate classification (germline): Uncertain significance. Review status: criteria provided, multiple submitters, no conflicts (2 of 4 stars). 2 submissions from 2 submitters: Uncertain significance (2). Last evaluated 2025-05-05.

Conditions:
Hereditary cancer-predisposing syndrome. Also called: Neoplastic Syndromes, Hereditary; Hereditary Cancer Syndrome; Hereditary neoplastic syndrome; Tumor predisposition. Identifiers: Orphanet 140162, MedGen C0027672, MeSH D009386, MONDO:0015356.
Gastrointestinal stromal tumor. Also called: Gastrointestinal stroma tumor; Gastrointestinal stromal tumor, somatic. Identifiers: Orphanet 44890, MedGen C0238198, MeSH D046152, MONDO:0011719, OMIM 606764, HP:0100723.

Submissions (2):

Labcorp Genetics (formerly Invitae), Labcorp
Classification: Uncertain significance for Gastrointestinal stromal tumor. Last evaluated: 2025-05-05. Review status: criteria provided, single submitter. Criteria: Invitae Variant Classification Sherloc (09022015). Collection method: clinical testing. Allele origin: germline.
Comment: This sequence change replaces asparagine, which is neutral and polar, with aspartic acid, which is acidic and polar, at codon 828 of the KIT protein (p.Asn828Asp). This variant is not present in population databases (gnomAD no frequency). This variant has not been reported in the literature in individuals affected with KIT-related conditions. ClinVar contains an entry for this variant (Variation ID: 409757). An algorithm developed to predict the effect of missense changes on protein structure and function (PolyPhen-2) suggests that this variant is likely to be disruptive. In summary, the available evidence is currently insufficient to determine the role of this variant in disease. Therefore, it has been classified as a Variant of Uncertain Significance.

Ambry Genetics
Classification: Uncertain significance for Hereditary cancer-predisposing syndrome. Last evaluated: 2023-02-12. Review status: criteria provided, single submitter. Criteria: Ambry Variant Classification Scheme 2023. Collection method: clinical testing. Allele origin: germline.
Comment: The p.N828D variant (also known as c.2482A>G), located in coding exon 17 of the KIT gene, results from an A to G substitution at nucleotide position 2482. The asparagine at codon 828 is replaced by aspartic acid, an amino acid with highly similar properties. This amino acid position is highly conserved in available vertebrate species. In addition, the in silico prediction for this alteration is inconclusive. Since supporting evidence is limited at this time, the clinical significance of this alteration remains unclear.

NM_000222.3(KIT):c.2482A>G (p.Asn828Asp)

Gene: KIT (KIT proto-oncogene, receptor tyrosine kinase; plus strand). Cytogenetic location: 4q12.
Variant type: single nucleotide variant.
Coding change: c.2482A>G on transcript NM_000222.3 (MANE Select); coding-DNA position 2482, A replaced by G.
Protein change: p.Asn828Asp; replaces asparagine 828 with aspartic acid.
Molecular consequence: missense variant.
Genome position (GRCh38, 1-based): chr4:54,733,190, A>G. VCF-style: chr4-54733190-A-G. GRCh37 (hg19) VCF-style: chr4-55599356-A-G.
Other names: c.2470A>G, p.Asn824Asp (NM_001093772.2, NM_001385292.1); c.2485A>G, p.Asn829Asp (NM_001385284.1); c.2479A>G, p.Asn827Asp (NM_001385285.1); c.2467A>G, p.Asn823Asp (NM_001385286.1); c.2473A>G, p.Asn825Asp (NM_001385288.1); c.2482A>G, p.Asn828Asp (NM_001385290.1); short protein forms N828D, N824D, N823D, N825D, N827D, N829D.
Identifiers: ClinVar variation 409757 (VCV000409757.9), dbSNP rs1060502557, ClinGen allele CA16611682.